The following is an entry in ClinVar:

NM_001371623.1(TCOF1):c.1492_1494dup (p.Lys498_Pro499insLys)

Gene: TCOF1 (treacle ribosome biogenesis factor 1; plus strand). Cytogenetic location: 5q32.
Variant type: Duplication.
Coding change: c.1492_1494dup on transcript NM_001371623.1 (MANE Select); coding-DNA positions 1492 to 1494, 3 bases duplicated (AAG; older notation c.1492_1494dupAAG).
Protein change: p.Lys498_Pro499insLys.
Genome position (GRCh38, 1-based): chr5:150,375,342-150,375,344, AAG duplicated; duplicating any 3 consecutive bases within chr5:150,375,341-150,375,344 gives the same sequence; the c. name uses the placement nearest the transcript's 3' end. VCF-style (leftmost placement, unchanged base first): chr5-150375340-T-TGAA. GRCh37 (hg19) VCF-style: chr5-149754903-T-TGAA.
Other names: c.1492_1494dupAAG (NM_001135243.2); c.1261_1263dup, p.Lys421_Pro422insLys (NM_000356.4, NM_001135245.2, NM_001437406.1); c.1492_1494dup, p.Lys498_Pro499insLys (NM_001008657.3, NM_001135243.2, NM_001135244.2 and 1 more transcripts).
Identifiers: ClinVar variation 4687387 (VCV004687387.1).
Genomic context (GRCh38, chr5:150,375,340, plus strand): 5'-CCCTCACTCACATTCTCCTTCTGGACTCCCTCCCTAATCTTGTCCTTTGTGTCTCCCAGG[T>TGAA]GAAGCCCTTGGGGAAAAGCCCCCAGGTGAAACCTGCCTCTACCATGGGCATGGGGCCCTT-3'

ClinVar aggregate classification (germline): Uncertain significance (1 of 4 stars; one submission).

Submission:

Women's Health and Genetics/Laboratory Corporation of America, LabCorp
Classification: Uncertain significance. Last evaluated: 2025-10-09. Review status: criteria provided, single submitter. Criteria: LabCorp Variant Classification Summary - May 2015. Collection method: clinical testing. Allele origin: germline.
Comment: Variant summary: TCOF1 c.1492_1494dupAAG (p.Lys498dup) results in an in-frame duplication that is predicted to duplicate one amino acid into the encoded protein. The variant was absent in 248004 control chromosomes. The available data on variant occurrences in the general population are insufficient to allow any conclusion about variant significance. To our knowledge, no occurrence of c.1492_1494dupAAG in individuals affected with TCOF1-related conditions and no experimental evidence demonstrating its impact on protein function have been reported. No submitters have cited clinical-significance assessments for this variant to ClinVar. Based on the evidence outlined above, the variant was classified as uncertain significance.